The following is an entry in ClinVar:

NM_012452.3(TNFRSF13B):c.689G>A (p.Cys230Tyr)

Gene: TNFRSF13B (TNF receptor superfamily member 13B; minus strand). Cytogenetic location: 17p11.2.
Variant type: single nucleotide variant.
Coding change: c.689G>A on transcript NM_012452.3 (MANE Select); coding-DNA position 689, G replaced by A.
Protein change: p.Cys230Tyr; replaces cysteine 230 with tyrosine.
Molecular consequence: missense variant.
Genome position (GRCh38, 1-based): chr17:16,939,740, C>T on the plus strand (G>A on the coding strand, the complement: TNFRSF13B is on the minus strand). VCF-style: chr17-16939740-C-T. GRCh37 (hg19) VCF-style: chr17-16843054-C-T.
Other names: short protein forms C230Y.
Identifiers: ClinVar variation 1005084 (VCV001005084.5), dbSNP rs1457538261, ClinGen allele CA398519230.

ClinVar aggregate classification (germline): Uncertain significance (1 of 4 stars; one submission).

Conditions:
Immunodeficiency, common variable, 2 (CVID2). Also called: HYPOGAMMAGLOBULINEMIA DUE TO TACI DEFICIENCY; ANTIBODY DEFICIENCY DUE TO TACI DEFECT. Identifiers: Orphanet 1572, MedGen C3150354, MONDO:0009413, OMIM 240500.

Submission:

Labcorp Genetics (formerly Invitae), Labcorp
Classification: Uncertain significance for Immunodeficiency, common variable, 2. Last evaluated: 2024-02-24. Review status: criteria provided, single submitter. Criteria: Invitae Variant Classification Sherloc (09022015). Collection method: clinical testing. Allele origin: germline.
Comment: This sequence change replaces cysteine, which is neutral and slightly polar, with tyrosine, which is neutral and polar, at codon 230 of the TNFRSF13B protein (p.Cys230Tyr). This variant is not present in population databases (gnomAD no frequency). This variant has not been reported in the literature in individuals affected with TNFRSF13B-related conditions. ClinVar contains an entry for this variant (Variation ID: 1005084). Advanced modeling of protein sequence and biophysical properties (such as structural, functional, and spatial information, amino acid conservation, physicochemical variation, residue mobility, and thermodynamic stability) performed at Invitae indicates that this missense variant is expected to disrupt TNFRSF13B protein function with a positive predictive value of 80%. In summary, the available evidence is currently insufficient to determine the role of this variant in disease. Therefore, it has been classified as a Variant of Uncertain Significance.